The following is an entry in ClinVar:

NM_001098.3(ACO2):c.1945TAC[1] (p.Tyr650del)

Genes: ACO2 (aconitase 2; plus strand), POLR3H (RNA polymerase III subunit H; minus strand). Cytogenetic location: 22q13.2.
Variant type: Microsatellite.
Coding change: c.1945TAC[1] on transcript NM_001098.3 (MANE Select); one copy of the 3-base unit TAC starting at c.1945; the reference has two copies in a row; one copy, 3 bases deleted; also written c.1948_1950del.
Protein change: p.Tyr650del; deletes tyrosine 650.
Molecular consequence: inframe deletion. On other transcripts: 3 prime UTR variant (5).
Genome position (GRCh38, 1-based): chr22:41,526,448-41,526,450, TAC deleted; deleting any 3 consecutive bases within chr22:41,526,444-41,526,450 gives the same sequence; the position shown is the placement nearest the transcript's 3' end. VCF-style (leftmost placement, unchanged base first): chr22-41526443-GCTA-G. GRCh37 (hg19) VCF-style: chr22-41922447-GCTA-G.
Other names: c.*2834TAG[1] (NM_001018050.4, NM_001018052.4, NM_001282884.2 and 2 more transcripts); c.1948_1950del (NM_001098.3); short protein forms Y650del.
Identifiers: ClinVar variation 2171346 (VCV002171346.5), dbSNP rs2518236692, ClinGen allele CA2580615321.

ClinVar aggregate classification (germline): Uncertain significance. Review status: criteria provided, single submitter (1 of 4 stars). 2 submissions from 2 submitters: Uncertain significance (1). 1 of the submissions does not count toward it. Last evaluated 2025-08-14.

Conditions:
Infantile cerebellar-retinal degeneration (ICRD). Identifiers: Orphanet 313850, MedGen C3281192, MONDO:0013802, OMIM 614559.

Submissions (2):

Labcorp Genetics (formerly Invitae), Labcorp
Classification: Uncertain significance. Last evaluated: 2025-08-14. Review status: criteria provided, single submitter. Criteria: Invitae Variant Classification Sherloc (09022015). Collection method: clinical testing. Allele origin: germline.
Comment: This variant, c.1948_1950del, results in the deletion of 1 amino acid(s) of the ACO2 protein (p.Tyr650del), but otherwise preserves the integrity of the reading frame. This variant is not present in population databases (gnomAD no frequency). This variant has not been reported in the literature in individuals affected with ACO2-related conditions. Experimental studies and prediction algorithms are not available or were not evaluated, and the functional significance of this variant is currently unknown. In summary, the available evidence is currently insufficient to determine the role of this variant in disease. Therefore, it has been classified as a Variant of Uncertain Significance.

Clinical Genetics Laboratory, University Hospital Schleswig-Holstein
Classification: Uncertain significance for Infantile cerebellar-retinal degeneration. Last evaluated: 2023-11-16. Review status: no assertion criteria provided. Collection method: clinical testing. Allele origin: maternal. Affected: yes. Not counted in ClinVar's aggregate classification.